The following is an entry in ClinVar:

ClinVar aggregate classification (germline): Uncertain significance (1 of 4 stars; one submission).

Submission:

GeneDx
Classification: Uncertain significance. Last evaluated: 2025-07-09. Review status: criteria provided, single submitter. Criteria: GeneDx Variant Classification Process June 2021. Collection method: clinical testing. Allele origin: germline. Affected: yes.
Comment: Not observed at significant frequency in large population cohorts (gnomAD); In silico analysis supports that this missense variant has a deleterious effect on protein structure/function; Has not been previously published as pathogenic or benign to our knowledge

NM_000836.4(GRIN2D):c.716T>C (p.Val239Ala)

Gene: GRIN2D (glutamate ionotropic receptor NMDA type subunit 2D; plus strand). Cytogenetic location: 19q13.33.
Variant type: single nucleotide variant.
Coding change: c.716T>C on transcript NM_000836.4 (MANE Select); coding-DNA position 716, T replaced by C.
Protein change: p.Val239Ala; replaces valine 239 with alanine.
Molecular consequence: missense variant.
Genome position (GRCh38, 1-based): chr19:48,404,984, T>C. VCF-style: chr19-48404984-T-C. GRCh37 (hg19) VCF-style: chr19-48908241-T-C.
Other names: short protein forms V239A.
Identifiers: ClinVar variation 4685124 (VCV004685124.1).